The following is an entry in ClinVar:

ClinVar aggregate classification (germline): Uncertain significance (1 of 4 stars; one submission).

Submission:

Labcorp Genetics (formerly Invitae), Labcorp
Classification: Uncertain significance. Last evaluated: 2025-05-18. Review status: criteria provided, single submitter. Criteria: Invitae Variant Classification Sherloc (09022015). Collection method: clinical testing. Allele origin: germline.
Comment: This sequence change replaces leucine, which is neutral and non-polar, with valine, which is neutral and non-polar, at codon 218 of the THBD protein (p.Leu218Val). This variant is not present in population databases (gnomAD no frequency). This variant has not been reported in the literature in individuals affected with THBD-related conditions. Invitae Evidence Modeling of protein sequence and biophysical properties (such as structural, functional, and spatial information, amino acid conservation, physicochemical variation, residue mobility, and thermodynamic stability) indicates that this missense variant is not expected to disrupt THBD protein function with a negative predictive value of 80%. In summary, the available evidence is currently insufficient to determine the role of this variant in disease. Therefore, it has been classified as a Variant of Uncertain Significance.

NM_000361.3(THBD):c.652C>G (p.Leu218Val)

Gene: THBD (thrombomodulin; minus strand). Cytogenetic location: 20p11.21.
Variant type: single nucleotide variant.
Coding change: c.652C>G on transcript NM_000361.3 (MANE Select); coding-DNA position 652, C replaced by G.
Protein change: p.Leu218Val; replaces leucine 218 with valine.
Molecular consequence: missense variant.
Genome position (GRCh38, 1-based): chr20:23,048,853, G>C on the plus strand (C>G on the coding strand, the complement: THBD is on the minus strand). VCF-style: chr20-23048853-G-C. GRCh37 (hg19) VCF-style: chr20-23029490-G-C.
Other names: short protein forms L218V.
Identifiers: ClinVar variation 4764315 (VCV004764315.1).
Genomic context (GRCh38, chr20:23,048,853, plus strand): 5'-CCCTGGCCCAGTGCCCCTGGACCGCTCCGGGCGGCGCGGTGCACATTAGCTGTAAGCCGA[G>C]GGGAGCCACCGCGGCGGAGCTGCCCACCGGCAGCGCCTGGAAGTCCGCTCCGCGGGCCGC-3'
Protein context (NP_000352.1, residues 208-228): PVGSSAAVAP[Leu218Val]GLQLMCTAPP